The following continues an entry in ClinVar:

NM_004360.5(CDH1):c.2494G>A (p.Val832Met)

Gene: CDH1. ClinVar aggregate classification (germline): Benign. Benign (1).

Submissions 15 to 21 of 21:

GeneKor MSA
Classification: Uncertain significance for Hereditary cancer-predisposing syndrome. Last evaluated: 2018-08-01. Review status: criteria provided, single submitter. Criteria: ACMG Guidelines, 2015. Collection method: clinical testing. Allele origin: germline. Not counted in ClinVar's aggregate classification.

Color Diagnostics, LLC DBA Color Health
Classification: Likely benign for Hereditary cancer-predisposing syndrome. Last evaluated: 2017-06-21. Review status: criteria provided, single submitter. Criteria: ACMG Guidelines, 2015. Collection method: clinical testing. Allele origin: germline. Not counted in ClinVar's aggregate classification.

Soonchunhyang University Bucheon Hospital, Soonchunhyang University Medical Center
Classification: Likely pathogenic for Hereditary diffuse gastric adenocarcinoma. Last evaluated: 2016-03-18. Review status: criteria provided, single submitter. Criteria: ACMG Guidelines, 2015. Collection method: reference population. Allele origin: germline. Observed: 1 variant allele. Not counted in ClinVar's aggregate classification.

PreventionGenetics, part of Exact Sciences
Classification: Benign for CDH1-related condition. Last evaluated: 2020-01-21. Review status: no assertion criteria provided. Collection method: clinical testing. Allele origin: germline. Not counted in ClinVar's aggregate classification.
Comment: This variant is classified as benign based on ACMG/AMP sequence variant interpretation guidelines (Richards et al. 2015 PMID: 25741868, with internal and published modifications).

CSER _CC_NCGL, University of Washington
Classification: Likely pathogenic for Gastric cancer. Last evaluated: 2014-06-01. Review status: no assertion criteria provided. Collection method: research. Allele origin: germline. Inheritance: Autosomal dominant inheritance. Study: ESP 6500 variant annotation. Not counted in ClinVar's aggregate classification.
Comment: Variants classified for the Actionable exomic incidental findings in 6503 participants: challenges of variant classification manuscript

ITMI
No classification provided. Condition: AllHighlyPenetrant. Last evaluated: 2013-09-19. Review status: no classification provided. Collection method: reference population. Allele origin: germline. Not counted in ClinVar's aggregate classification.
Comment: Please see associated publication for description of ethnicities

OMIM
Classification: Pathogenic for DIFFUSE GASTRIC AND LOBULAR BREAST CANCER SYNDROME. Last evaluated: 2002-10-10. Review status: no assertion criteria provided. Collection method: literature only. Allele origin: germline. Not counted in ClinVar's aggregate classification.

Literature cited by the submitters: PubMed 20312021 (cited by Department of Pathology and Laboratory Medicine, Sinai Health System); PubMed 25980754 (cited by 3 submitters); PubMed 26692440 (cited by Department of Pathology and Laboratory Medicine, Sinai Health System and Women's Health and Genetics/Laboratory Corporation of America, LabCorp); PubMed 28503720 (cited by 4 submitters); PubMed 28767289 (cited by 4 submitters); PubMed 29050249 (cited by 4 submitters); PubMed 29752822 (cited by Department of Pathology and Laboratory Medicine, Sinai Health System and Quest Diagnostics Nichols Institute San Juan Capistrano); PubMed 24728327 (cited by 5 submitters); PubMed 19017792 (cited by 3 submitters); PubMed 19268661 (cited by 6 submitters); PubMed 12944922 (cited by Department of Pathology and Laboratory Medicine, Sinai Health System and Women's Health and Genetics/Laboratory Corporation of America, LabCorp); PubMed 22850631 (cited by 6 submitters); PubMed 33471991 (cited by Quest Diagnostics Nichols Institute San Juan Capistrano); PubMed 30287823 (cited by Quest Diagnostics Nichols Institute San Juan Capistrano); PubMed 14500541 (cited by Quest Diagnostics Nichols Institute San Juan Capistrano); PubMed 25637381 (cited by Quest Diagnostics Nichols Institute San Juan Capistrano and Women's Health and Genetics/Laboratory Corporation of America, LabCorp); PubMed 36436516 (cited by Quest Diagnostics Nichols Institute San Juan Capistrano and European Reference Network on Genetic Tumour Risk Syndromes (ERN-GENTURIS), i3s - Instituto de Investigação e Inovação em Saúde, University of Porto); PubMed 25388006 (cited by Quest Diagnostics Nichols Institute San Juan Capistrano); PubMed 12216071 (cited by 6 submitters); PubMed 16924464 (cited by Quest Diagnostics Nichols Institute San Juan Capistrano); PubMed 28975465 (cited by Quest Diagnostics Nichols Institute San Juan Capistrano and Women's Health and Genetics/Laboratory Corporation of America, LabCorp); PubMed 24055113 (cited by Quest Diagnostics Nichols Institute San Juan Capistrano); PubMed 26759166 (cited by Quest Diagnostics Nichols Institute San Juan Capistrano); PubMed 22470475 (cited by Quest Diagnostics Nichols Institute San Juan Capistrano); PubMed 20921021 (cited by Quest Diagnostics Nichols Institute San Juan Capistrano and Women's Health and Genetics/Laboratory Corporation of America, LabCorp); PubMed 19269290 (cited by Quest Diagnostics Nichols Institute San Juan Capistrano and Women's Health and Genetics/Laboratory Corporation of America, LabCorp); PubMed 17668349 (cited by Quest Diagnostics Nichols Institute San Juan Capistrano and Women's Health and Genetics/Laboratory Corporation of America, LabCorp); PubMed 17261850 (cited by Quest Diagnostics Nichols Institute San Juan Capistrano and Women's Health and Genetics/Laboratory Corporation of America, LabCorp); PubMed 30311375 (cited by 3 submitters); PubMed 16112667 (cited by Women's Health and Genetics/Laboratory Corporation of America, LabCorp); PubMed 21989054 (cited by Women's Health and Genetics/Laboratory Corporation of America, LabCorp); PubMed 19247957 (cited by Women's Health and Genetics/Laboratory Corporation of America, LabCorp).